The following is an entry in ClinVar:

ClinVar aggregate classification (germline): Benign. Review status: criteria provided, single submitter (1 of 4 stars). 2 submissions from 2 submitters: Benign (1). 1 of the submissions does not count toward it. Last evaluated 2026-01-31.

Conditions:
Gorlin syndrome. Also called: Nevoid Basal Cell Carcinoma Syndrome; Basal cell nevus syndrome. Identifiers: Orphanet 377, MedGen C0004779, MONDO:0007187.
PTCH2-related disorder. Also called: PTCH2-related condition; PTCH2-related disease.

Allele frequency attached by ClinVar (database versions not stated): gnomAD exomes 0.00006 and 0.00032; gnomAD 0.00011 and 0.00017; TOPMed 0.00012; ExAC 0.00035; 1000 Genomes Project 30x 0.00172; 1000 Genomes Project 0.00220.
gnomAD v4.1: 112 of 1,613,880 alleles (0.0069%); highest among the groups gnomAD compares: East Asian, 0.23%; no homozygotes.

Submissions (2):

Labcorp Genetics (formerly Invitae), Labcorp
Classification: Benign for Gorlin syndrome. Last evaluated: 2026-01-31. Review status: criteria provided, single submitter. Criteria: Invitae Variant Classification Sherloc (09022015). Collection method: clinical testing. Allele origin: germline.

PreventionGenetics, part of Exact Sciences
Classification: Benign for PTCH2-related condition. Last evaluated: 2019-05-24. Review status: no assertion criteria provided. Collection method: clinical testing. Allele origin: germline. Not counted in ClinVar's aggregate classification.
Comment: This variant is classified as benign based on ACMG/AMP sequence variant interpretation guidelines (Richards et al. 2015 PMID: 25741868, with internal and published modifications).

NM_003738.5(PTCH2):c.3589G>A (p.Gly1197Arg)

Gene: PTCH2 (patched 2; minus strand). Cytogenetic location: 1p34.1.
Variant type: single nucleotide variant.
Coding change: c.3589G>A on transcript NM_003738.5 (MANE Select); coding-DNA position 3589, G replaced by A.
Protein change: p.Gly1197Arg; replaces glycine 1197 with arginine.
Molecular consequence: missense variant. On other transcripts: intron variant (1).
Genome position (GRCh38, 1-based): chr1:44,822,438, C>T on the plus strand (G>A on the coding strand, the complement: PTCH2 is on the minus strand). VCF-style: chr1-44822438-C-T. GRCh37 (hg19) VCF-style: chr1-45288110-C-T.
Other names: c.3425+164G>A (NM_001166292.2); short protein forms G1197R.
Identifiers: ClinVar variation 699502 (VCV000699502.13), dbSNP rs55651071, ClinGen allele CA822653.
Genomic context (GRCh38, chr1:44,822,438, plus strand): 5'-ACGCCCCACACATGGTCTCTGTGCTTCAGCTGCTCTTTCACCCAGTGGCTGGACCTGGTC[C>T]CCTGGAACTGAGGTTGCCAGAGCTAGTGGCAGCAGGGGACCAAGGGGGCTCATCAGGGGC-3'
Protein context (NP_003729.3, residues 1187-1203): ATSSGNLSSR[Gly1197Arg]PGPATG